The following is an entry in ClinVar:

ClinVar aggregate classification (germline): Pathogenic. Review status: criteria provided, single submitter (1 of 4 stars). 2 submissions from 1 submitter: Pathogenic (1). 1 of the submissions does not count toward it. Last evaluated 2018-04-23.

Conditions:
Familial adenomatous polyposis 1 (FAP1). Also called: FAMILIAL ADENOMATOUS POLYPOSIS 1, ATTENUATED; POLYPOSIS, ADENOMATOUS INTESTINAL. Identifiers: MedGen C2713442, MONDO:0021056, OMIM 175100. Disease mechanism: loss of function.

Submissions (2):

Labcorp Genetics (formerly Invitae), Labcorp
Classification: Pathogenic for Familial adenomatous polyposis 1. Last evaluated: 2018-04-23. Review status: criteria provided, single submitter. Criteria: Invitae Variant Classification Sherloc (09022015). Collection method: clinical testing. Allele origin: germline.
Comment: This variant is an out-of-frame deletion of the genomic region encompassing exons 9-15 of the APC gene. This is expected to create a premature translational stop signal and result in an absent or disrupted protein product. This variant has not been reported in the literature in individuals with APC-related disease. Loss-of-function variants in APC are known to be pathogenic (PMID: 17963004, 20685668). For these reasons, this variant has been classified as Pathogenic.

Labcorp Genetics (formerly Invitae), Labcorp
Classification: Pathogenic for Familial adenomatous polyposis 1. Last evaluated: 2018-04-27. Review status: flagged submission. Criteria: Invitae Variant Classification Sherloc (09022015). Collection method: clinical testing. Allele origin: germline. Not counted in ClinVar's aggregate classification.
Comment: the same text as in the submission from Labcorp Genetics (formerly Invitae), Labcorp above.
ClinVar note: Reason: This record appears to be redundant with a more recent record from the same submitter.
ClinVar note: Notes: SCV000836888 appears to be redundant with SCV002246514.

Literature cited by the submitters: PubMed 17963004; PubMed 20685668.

NC_000005.10:g.(?_112815485)_(112835175_?)del

Gene: APC (APC regulator of Wnt signaling pathway; plus strand). Cytogenetic location: 5q22.2.
Variant type: Deletion.
Identifiers: ClinVar variation 583455 (VCV000583455.4).